The following is an entry in ClinVar:

NM_001690.4(ATP6V1A):c.734C>G (p.Thr245Ser)

Gene: ATP6V1A (ATPase H+ transporting V1 subunit A; plus strand). Cytogenetic location: 3q13.31.
Variant type: single nucleotide variant.
Coding change: c.734C>G on transcript NM_001690.4 (MANE Select); coding-DNA position 734, C replaced by G.
Protein change: p.Thr245Ser; replaces threonine 245 with serine.
Molecular consequence: missense variant.
Genome position (GRCh38, 1-based): chr3:113,788,730, C>G. VCF-style: chr3-113788730-C-G. GRCh37 (hg19) VCF-style: chr3-113507577-C-G.
Other names: c.734C>G (NM_001690.3); short protein forms T245S.
Identifiers: ClinVar variation 1429101 (VCV001429101.9), dbSNP rs144476994, ClinGen allele CA2547908.
Genomic context (GRCh38, chr3:113,788,730, plus strand): 5'-TATTAGCAAGTCAAGTAATCCATACTTTGTTTTCTTTGTTTAGGTGTGTCCAGGGAGGAA[C>G]TACTGCTATCCCTGGAGCCTTTGGCTGTGGAAAGACAGTGATATCACAGTCTCTATCCAA-3'
Protein context (NP_001681.2, residues 235-255): DALFPCVQGG[Thr245Ser]TAIPGAFGCG

ClinVar aggregate classification (germline): Uncertain significance. Review status: criteria provided, multiple submitters, no conflicts (2 of 4 stars). 2 submissions from 2 submitters: Uncertain significance (2). Last evaluated 2026-01-13.

Conditions:
Inborn genetic diseases. Identifiers: MedGen C0950123, MeSH D030342.

Allele frequency attached by ClinVar (database versions not stated): gnomAD exomes 0.00001 and 0.00006; ExAC 0.00002; TOPMed 0.00003; gnomAD 0.00004; ESP Exome Variant Server 0.00008.
gnomAD v4.1: 95 of 1,613,692 alleles (0.0059%); highest among the groups gnomAD compares: Non-Finnish European, 0.0078%; no homozygotes.

Submissions (2):

Labcorp Genetics (formerly Invitae), Labcorp
Classification: Uncertain significance. Last evaluated: 2026-01-13. Review status: criteria provided, single submitter. Criteria: Invitae Variant Classification Sherloc (09022015). Collection method: clinical testing. Allele origin: germline.
Comment: This sequence change replaces threonine, which is neutral and polar, with serine, which is neutral and polar, at codon 245 of the ATP6V1A protein (p.Thr245Ser). This variant is present in population databases (rs144476994, gnomAD 0.002%). This variant has not been reported in the literature in individuals affected with ATP6V1A-related conditions. ClinVar contains an entry for this variant (Variation ID: 1429101). Invitae Evidence Modeling of protein sequence and biophysical properties (such as structural, functional, and spatial information, amino acid conservation, physicochemical variation, residue mobility, and thermodynamic stability) indicates that this missense variant is not expected to disrupt ATP6V1A protein function with a negative predictive value of 80%. In summary, the available evidence is currently insufficient to determine the role of this variant in disease. Therefore, it has been classified as a Variant of Uncertain Significance.

Ambry Genetics
Classification: Uncertain significance for Inborn genetic diseases. Last evaluated: 2025-08-05. Review status: criteria provided, single submitter. Criteria: Ambry Variant Classification Scheme 2023. Collection method: clinical testing. Allele origin: germline.